The following is an entry in ClinVar:

ClinVar aggregate classification (germline): Uncertain significance. Review status: criteria provided, multiple submitters, no conflicts (2 of 4 stars). 3 submissions from 3 submitters: Uncertain significance (3). Last evaluated 2025-09-25.

Conditions:
Inborn genetic diseases. Identifiers: MedGen C0950123, MeSH D030342.
Familial temporal lobe epilepsy 7. Identifiers: Orphanet 101046, MedGen C4225327, MONDO:0014639, OMIM 616436.
Norman-Roberts syndrome (LIS2). Also called: Lissencephaly 2 (Norman-Roberts type). Identifiers: Orphanet 89844, MedGen C0796089, MONDO:0009760, OMIM 257320.

gnomAD v4.1: 15 of 1,614,192 alleles (0.00093%); highest among the groups gnomAD compares: Non-Finnish European, 0.0011%; no homozygotes.

Submissions (3):

Ambry Genetics
Classification: Uncertain significance for Inborn genetic diseases. Last evaluated: 2025-09-25. Review status: criteria provided, single submitter. Criteria: Ambry Variant Classification Scheme 2023. Collection method: clinical testing. Allele origin: germline.

Labcorp Genetics (formerly Invitae), Labcorp
Classification: Uncertain significance for Familial temporal lobe epilepsy 7; Norman-Roberts syndrome. Last evaluated: 2021-07-22. Review status: criteria provided, single submitter. Criteria: Invitae Variant Classification Sherloc (09022015). Collection method: clinical testing. Allele origin: germline.
Comment: In summary, the available evidence is currently insufficient to determine the role of this variant in disease. Therefore, it has been classified as a Variant of Uncertain Significance. Algorithms developed to predict the effect of missense changes on protein structure and function (SIFT, PolyPhen-2, Align-GVGD) all suggest that this variant is likely to be tolerated, but these predictions have not been confirmed by published functional studies and their clinical significance is uncertain. This variant has not been reported in the literature in individuals with RELN-related conditions. ClinVar contains an entry for this variant (Variation ID: 908255). This variant is not present in population databases (ExAC no frequency). This sequence change replaces valine with alanine at codon 3032 of the RELN protein (p.Val3032Ala). The valine residue is moderately conserved and there is a small physicochemical difference between valine and alanine.

Illumina Laboratory Services, Illumina
Classification: Uncertain significance for Norman-Roberts syndrome. Last evaluated: 2018-01-12. Review status: criteria provided, single submitter. Criteria: ICSL Variant Classification Criteria 13 December 2019. Collection method: clinical testing. Allele origin: germline.

NM_005045.4(RELN):c.9095T>C (p.Val3032Ala)

Genes: RELN (reelin; minus strand), SLC26A5-AS1 (SLC26A5 antisense RNA 1; plus strand). Cytogenetic location: 7q22.1.
Variant type: single nucleotide variant.
Coding change: c.9095T>C on transcript NM_005045.4 (MANE Select); coding-DNA position 9095, T replaced by C.
Protein change: p.Val3032Ala; replaces valine 3032 with alanine.
Molecular consequence: missense variant.
Genome position (GRCh38, 1-based): chr7:103,496,624, A>G on the plus strand (T>C on the coding strand, the complement: RELN is on the minus strand). VCF-style: chr7-103496624-A-G. GRCh37 (hg19) VCF-style: chr7-103137071-A-G.
Other names: c.9095T>C, p.Val3032Ala (NM_173054.3); short protein forms V3032A.
Identifiers: ClinVar variation 908255 (VCV000908255.14), dbSNP rs1828849563, ClinGen allele CA368751324.